The following is an entry in ClinVar:

ClinVar aggregate classification (germline): Uncertain significance (1 of 4 stars; one submission).

Conditions:
Cardiovascular phenotype. Identifiers: MedGen CN230736.

Submission:

Ambry Genetics
Classification: Uncertain significance for Cardiovascular phenotype. Last evaluated: 2024-01-29. Review status: criteria provided, single submitter. Criteria: Ambry Variant Classification Scheme 2023. Collection method: clinical testing. Allele origin: germline.
Comment: The p.R256S variant (also known as c.768G>T), located in coding exon 5 of the CBL gene, results from a G to T substitution at nucleotide position 768. The arginine at codon 256 is replaced by serine, an amino acid with dissimilar properties. This amino acid position is conserved. In addition, this alteration is predicted to be deleterious by in silico analysis. Based on the available evidence, the clinical significance of this alteration remains unclear.

NM_005188.4(CBL):c.768G>T (p.Arg256Ser)

Gene: CBL (Cbl proto-oncogene; plus strand). Cytogenetic location: 11q23.3.
Variant type: single nucleotide variant.
Coding change: c.768G>T on transcript NM_005188.4 (MANE Select); coding-DNA position 768, G replaced by T.
Protein change: p.Arg256Ser; replaces arginine 256 with serine.
Molecular consequence: missense variant.
Genome position (GRCh38, 1-based): chr11:119,274,852, G>T. VCF-style: chr11-119274852-G-T. GRCh37 (hg19) VCF-style: chr11-119145562-G-T.
Other names: short protein forms R256S.
Identifiers: ClinVar variation 3224654 (VCV003224654.1), dbSNP rs1555229786, ClinGen allele CA382910652.